The following is an entry in ClinVar:

NM_005609.4(PYGM):c.425-22C>T

Gene: PYGM (glycogen phosphorylase, muscle associated; minus strand). Cytogenetic location: 11q13.1.
Variant type: single nucleotide variant.
Coding change: c.425-22C>T on transcript NM_005609.4 (MANE Select); 22 bases into the intron before coding-DNA position 425, C replaced by T.
Molecular consequence: intron variant.
Genome position (GRCh38, 1-based): chr11:64,758,371, G>A on the plus strand (C>T on the coding strand, the complement: PYGM is on the minus strand). VCF-style: chr11-64758371-G-A. GRCh37 (hg19) VCF-style: chr11-64525843-G-A.
Other names: c.244-105C>T (NM_001164716.1).
Identifiers: ClinVar variation 259836 (VCV000259836.7), dbSNP rs61884454, ClinGen allele CA6080248.

ClinVar aggregate classification (germline): Benign. Review status: criteria provided, multiple submitters, no conflicts (2 of 4 stars). 5 submissions from 5 submitters: Benign (4). 1 of the submissions does not count toward it. Last evaluated 2026-06-19.

Allele frequency attached by ClinVar (database versions not stated): 1000 Genomes Project 30x 0.02108; gnomAD 0.02497 and 0.02517; TOPMed 0.02961; 1000 Genomes Project 0.01997; ESP Exome Variant Server 0.02239; ExAC 0.03361; gnomAD exomes 0.03697.
gnomAD v4.1: 49,316 of 1,612,576 alleles (3.1%); highest among the groups gnomAD compares: Admixed American, 11%; 1,164 homozygotes.

Submissions (5):

Women's Health and Genetics/Laboratory Corporation of America, LabCorp
Classification: Benign. Last evaluated: 2026-06-19. Review status: criteria provided, single submitter. Criteria: LabCorp Variant Classification Summary - May 2015. Collection method: clinical testing. Allele origin: germline.

GeneDx
Classification: Benign. Last evaluated: 2016-01-29. Review status: criteria provided, single submitter. Criteria: GeneDx Variant Classification (06012015). Collection method: clinical testing. Allele origin: germline. Affected: yes.
Comment: This variant is considered likely benign or benign based on one or more of the following criteria: it is a conservative change, it occurs at a poorly conserved position in the protein, it is predicted to be benign by multiple in silico algorithms, and/or has population frequency not consistent with disease.

Breakthrough Genomics
Classification: Benign. Review status: criteria provided, single submitter. Criteria: ACMG Guidelines, 2015. Collection method: not provided. Allele origin: germline. Inheritance: Autosomal recessive inheritance. Affected: yes.

PreventionGenetics, part of Exact Sciences
Classification: Benign. Review status: criteria provided, single submitter. Criteria: ACMG Guidelines, 2015. Collection method: clinical testing. Allele origin: germline.

Mayo Clinic Laboratories, Mayo Clinic
Classification: Benign. Last evaluated: 2015-12-16. Review status: no assertion criteria provided. Collection method: clinical testing. Allele origin: unknown. Not counted in ClinVar's aggregate classification.